The following is an entry in ClinVar:

ClinVar aggregate classification (germline): Uncertain significance. Review status: criteria provided, multiple submitters, no conflicts (2 of 4 stars). 2 submissions from 2 submitters: Uncertain significance (2). Last evaluated 2024-05-24.

gnomAD v4.1: 48 of 1,613,992 alleles (0.003%); highest among the groups gnomAD compares: African/African-American, 0.044%; no homozygotes.

Submissions (2):

Ambry Genetics
Classification: Uncertain significance. Last evaluated: 2024-05-24. Review status: criteria provided, single submitter. Criteria: Ambry Variant Classification Scheme 2023. Collection method: clinical testing. Allele origin: germline.

Mayo Clinic Laboratories, Mayo Clinic
Classification: Uncertain significance. Last evaluated: 2023-11-09. Review status: criteria provided, single submitter. Criteria: ACMG Guidelines, 2015. Collection method: clinical testing. Allele origin: germline. Observed: 1 variant allele.
Comment: PM1

NM_005845.5(ABCC4):c.3844G>A (p.Ala1282Thr)

Gene: ABCC4 (ATP binding cassette subfamily C member 4 (PEL blood group); minus strand). Cytogenetic location: 13q32.1.
Variant type: single nucleotide variant.
Coding change: c.3844G>A on transcript NM_005845.5 (MANE Select); coding-DNA position 3844, G replaced by A.
Protein change: p.Ala1282Thr; replaces alanine 1282 with threonine.
Molecular consequence: missense variant.
Genome position (GRCh38, 1-based): chr13:95,034,631, C>T on the plus strand (G>A on the coding strand, the complement: ABCC4 is on the minus strand). VCF-style: chr13-95034631-C-T. GRCh37 (hg19) VCF-style: chr13-95686885-C-T.
Other names: p.Ala1282Thr; c.3703G>A, p.Ala1235Thr (NM_001301829.2); c.3844G>A (NM_005845.4); short protein forms A1282T, A1235T.
Identifiers: ClinVar variation 3301916 (VCV003301916.2).
Genomic context (GRCh38, chr13:95,034,631, plus strand): 5'-AAACTTTAATTACAACTCCTTGGAGCACGCTCACCTGTTTTGCTGTTTCAGTGAGGGCAG[C>T]GGCTTCTGCCTTGCCCAGTTGTTGCACCATCTTGTAAAATAGGCTCTCTTTATTTTGCAG-3'
Protein context (NP_005836.2, residues 1272-1292): MVQQLGKAEA[Ala1282Thr]ALTETAKQVY